The following is an entry in ClinVar:

ClinVar aggregate classification (germline): Uncertain significance (1 of 4 stars; one submission).

Allele frequency attached by ClinVar (database versions not stated): ExAC 0.00001; ESP Exome Variant Server 0.00008.
gnomAD v4.1: 9 of 1,612,366 alleles (0.00056%); highest among the groups gnomAD compares: Non-Finnish European, 0.00076%; no homozygotes.

Submission:

Labcorp Genetics (formerly Invitae), Labcorp
Classification: Uncertain significance. Last evaluated: 2022-09-30. Review status: criteria provided, single submitter. Criteria: Invitae Variant Classification Sherloc (09022015). Collection method: clinical testing. Allele origin: germline.
Comment: In summary, the available evidence is currently insufficient to determine the role of this variant in disease. Therefore, it has been classified as a Variant of Uncertain Significance. Algorithms developed to predict the effect of sequence changes on RNA splicing suggest that this variant may create or strengthen a splice site. This variant has not been reported in the literature in individuals affected with HMCN1-related conditions. This variant is present in population databases (rs373249075, gnomAD 0.002%). This sequence change creates a premature translational stop signal (p.Arg2244*) in the HMCN1 gene. It is expected to result in an absent or disrupted protein product. However, the current clinical and genetic evidence is not sufficient to establish whether loss-of-function variants in HMCN1 cause disease.

NM_031935.3(HMCN1):c.6730C>T (p.Arg2244Ter)

Gene: HMCN1 (hemicentin 1; plus strand). Cytogenetic location: 1q31.1.
Variant type: single nucleotide variant.
Coding change: c.6730C>T on transcript NM_031935.3 (MANE Select); coding-DNA position 6730, C replaced by T.
Protein change: p.Arg2244Ter; replaces arginine 2244 with a stop codon.
Molecular consequence: nonsense.
Genome position (GRCh38, 1-based): chr1:186,053,854, C>T. VCF-style: chr1-186053854-C-T. GRCh37 (hg19) VCF-style: chr1-186022986-C-T.
Other names: short protein forms R2244*.
Identifiers: ClinVar variation 1926115 (VCV001926115.5), dbSNP rs373249075, ClinGen allele CA1292657.
Genomic context (GRCh38, chr1:186,053,854, plus strand): 5'-CTCATATTCTGCCATTTGGACTTCTTTGTAGGCTCTCCAGTGCTGACTGATTCCATGGGG[C>T]GAGTTAGAATTTTATCTGGGGGCAGGCAATTACAAATTTCAATTGCTGAAAAGTCTGATG-3'